The following is an entry in ClinVar:

NM_000138.5(FBN1):c.7184G>A (p.Gly2395Glu)

Gene: FBN1 (fibrillin 1; minus strand). Cytogenetic location: 15q21.1.
Variant type: single nucleotide variant.
Coding change: c.7184G>A on transcript NM_000138.5 (MANE Select); coding-DNA position 7184, G replaced by A.
Protein change: p.Gly2395Glu; replaces glycine 2395 with glutamic acid.
Molecular consequence: missense variant.
Genome position (GRCh38, 1-based): chr15:48,427,587, C>T on the plus strand (G>A on the coding strand, the complement: FBN1 is on the minus strand). VCF-style: chr15-48427587-C-T. GRCh37 (hg19) VCF-style: chr15-48719784-C-T.
Other names: c.7184G>A, p.Gly2395Glu (NM_001406716.1); short protein forms G2395E.
Identifiers: ClinVar variation 2114146 (VCV002114146.4), dbSNP rs397515849, ClinGen allele CA392329165.
Genomic context (GRCh38, chr15:48,427,587, plus strand): 5'-TAGATTCCCTGCAAGTATTTTTGGACTATAAATGAAGTACCTGCTCCATTGGTCATGAAT[C>T]CTCGGCCATGGGGACAGAGTTTCTTGAAAGCCACAGTCCCCTGGAAAGGGCAGATCTCAC-3'
Protein context (NP_000129.3, residues 2385-2405): AFKKLCPHGR[Gly2395Glu]FMTNGADIDE

ClinVar aggregate classification (germline): Pathogenic (1 of 4 stars; one submission).

Conditions:
Familial thoracic aortic aneurysm and aortic dissection (TAAD). Also called: Thoracic aortic aneurysms and dissections. Identifiers: Orphanet 91387, MedGen C4707243, MONDO:0019625.
Marfan syndrome (MFS). Also called: MARFAN SYNDROME, TYPE I; Marfan syndrome type 1; Marfan's syndrome; Marfan syndrome, classic; FBN1-Related Marfan Syndrome. Identifiers: Orphanet 284963, Orphanet 558, MedGen C0024796, MONDO:0007947, OMIM 154700.

Submission:

Labcorp Genetics (formerly Invitae), Labcorp
Classification: Pathogenic for Marfan syndrome; Familial thoracic aortic aneurysm and aortic dissection. Last evaluated: 2025-03-10. Review status: criteria provided, single submitter. Criteria: Invitae Variant Classification Sherloc (09022015). Collection method: clinical testing. Allele origin: germline.
Comment: This sequence change replaces glycine, which is neutral and non-polar, with glutamic acid, which is acidic and polar, at codon 2395 of the FBN1 protein (p.Gly2395Glu). This variant is not present in population databases (gnomAD no frequency). This missense change has been observed in individuals with clinical features of Marfan syndrome (internal data). ClinVar contains an entry for this variant (Variation ID: 2114146). Invitae Evidence Modeling of protein sequence and biophysical properties (such as structural, functional, and spatial information, amino acid conservation, physicochemical variation, residue mobility, and thermodynamic stability) indicates that this missense variant is expected to disrupt FBN1 protein function with a positive predictive value of 95%. This variant disrupts the p.Gly2395 amino acid residue in FBN1. Other variant(s) that disrupt this residue have been determined to be pathogenic (PMID: 29510914; internal data). This suggests that this residue is clinically significant, and that variants that disrupt this residue are likely to be disease-causing. For these reasons, this variant has been classified as Pathogenic.

Literature cited by the submitters: PubMed 29510914.